The following is an entry in ClinVar:

ClinVar aggregate classification (germline): Uncertain significance (1 of 4 stars; one submission).

gnomAD v4.1: 2 of 1,614,166 alleles (0.00012%); highest among the groups gnomAD compares: Non-Finnish European, 0.00017%; no homozygotes.

Submission:

Labcorp Genetics (formerly Invitae), Labcorp
Classification: Uncertain significance. Last evaluated: 2025-01-29. Review status: criteria provided, single submitter. Criteria: Invitae Variant Classification Sherloc (09022015). Collection method: clinical testing. Allele origin: germline.
Comment: This sequence change replaces alanine, which is neutral and non-polar, with glycine, which is neutral and non-polar, at codon 723 of the KIF23 protein (p.Ala723Gly). This variant is present in population databases (rs776197989, gnomAD 0.003%). This variant has not been reported in the literature in individuals affected with KIF23-related conditions. An algorithm developed to predict the effect of missense changes on protein structure and function (PolyPhen-2) suggests that this variant is likely to be tolerated. In summary, the available evidence is currently insufficient to determine the role of this variant in disease. Therefore, it has been classified as a Variant of Uncertain Significance.

NM_001367805.3(KIF23):c.2210C>G (p.Ala737Gly)

Gene: KIF23 (kinesin family member 23; plus strand). Cytogenetic location: 15q23.
Variant type: single nucleotide variant.
Coding change: c.2210C>G on transcript NM_001367805.3 (MANE Select); coding-DNA position 2210, C replaced by G.
Protein change: p.Ala737Gly; replaces alanine 737 with glycine.
Molecular consequence: missense variant. On other transcripts: non-coding transcript variant (1), intron variant (1).
Genome position (GRCh38, 1-based): chr15:69,440,868, C>G. VCF-style: chr15-69440868-C-G. GRCh37 (hg19) VCF-style: chr15-69733207-C-G.
Other names: c.2168C>G, p.Ala723Gly (NM_001367804.2, NM_138555.4); c.1838C>G, p.Ala613Gly (NM_001281301.2); c.2067+381C>G (NM_004856.7); short protein forms A613G, A723G, A737G.
Identifiers: ClinVar variation 3704177 (VCV003704177.2).
Genomic context (GRCh38, chr15:69,440,868, plus strand): 5'-AACTCATGAGCCAGCCACAGCTACATAGGCGCTCTAACTCTTGCAGCAGCATTTCTGTAG[C>G]TTCCTGTATTTCGGAATGGGAGCAGAAAATTCCTACGTACAACACACCTCTCAAAGTCAC-3'
Protein context (NP_001354734.1, residues 727-747): RSNSCSSISV[Ala737Gly]SCISEWEQKI